The following is an entry in ClinVar:

NM_001040142.2(SCN2A):c.2969A>G (p.Asn990Ser)

Gene: SCN2A (sodium voltage-gated channel alpha subunit 2; plus strand). Cytogenetic location: 2q24.3.
Variant type: single nucleotide variant.
Coding change: c.2969A>G on transcript NM_001040142.2 (MANE Select); coding-DNA position 2969, A replaced by G.
Protein change: p.Asn990Ser; replaces asparagine 990 with serine.
Molecular consequence: missense variant.
Genome position (GRCh38, 1-based): chr2:165,354,241, A>G. VCF-style: chr2-165354241-A-G. GRCh37 (hg19) VCF-style: chr2-166210751-A-G.
Other names: c.2969A>G, p.Asn990Ser (NM_001040143.2, NM_001371246.1, NM_001371247.1 and 1 more transcripts); short protein forms N990S.
Identifiers: ClinVar variation 2938719 (VCV002938719.3), dbSNP rs753985224, ClinGen allele CA317907.

ClinVar aggregate classification (germline): Uncertain significance (1 of 4 stars; one submission).

Conditions:
Seizures, benign familial infantile, 3 (BFIS3). Also called: CONVULSIONS, BENIGN FAMILIAL INFANTILE, 3; Familial neonatal seizures. Identifiers: Orphanet 140927, Orphanet 306, MedGen C1843140, MONDO:0011904, OMIM 607745.
Developmental and epileptic encephalopathy, 11 (DEE11). Also called: Early infantile epileptic encephalopathy 11. Identifiers: Orphanet 1934, MedGen C3150987, MONDO:0013388, OMIM 613721.

Allele frequency attached by ClinVar (database versions not stated): ExAC 0.00001; gnomAD 0.00001; gnomAD exomes 0.00001; TOPMed 0.00002.
gnomAD v4.1: 19 of 1,613,976 alleles (0.0012%); highest among the groups gnomAD compares: Non-Finnish European, 0.0014%; no homozygotes.

Submission:

Labcorp Genetics (formerly Invitae), Labcorp
Classification: Uncertain significance for Seizures, benign familial infantile, 3; Developmental and epileptic encephalopathy, 11. Last evaluated: 2024-01-03. Review status: criteria provided, single submitter. Criteria: Invitae Variant Classification Sherloc (09022015). Collection method: clinical testing. Allele origin: germline.
Comment: This sequence change replaces asparagine, which is neutral and polar, with serine, which is neutral and polar, at codon 990 of the SCN2A protein (p.Asn990Ser). This variant is present in population databases (rs753985224, gnomAD 0.002%). This variant has not been reported in the literature in individuals affected with SCN2A-related conditions. Advanced modeling of protein sequence and biophysical properties (such as structural, functional, and spatial information, amino acid conservation, physicochemical variation, residue mobility, and thermodynamic stability) has been performed at Invitae for this missense variant, however the output from this modeling did not meet the statistical confidence thresholds required to predict the impact of this variant on SCN2A protein function. In summary, the available evidence is currently insufficient to determine the role of this variant in disease. Therefore, it has been classified as a Variant of Uncertain Significance.